The following is an entry in ClinVar:

ClinVar aggregate classification (germline): Uncertain significance (1 of 4 stars; one submission).

Submission:

Labcorp Genetics (formerly Invitae), Labcorp
Classification: Uncertain significance. Last evaluated: 2021-12-27. Review status: criteria provided, single submitter. Criteria: Invitae Variant Classification Sherloc (09022015). Collection method: clinical testing. Allele origin: germline.
Comment: Algorithms developed to predict the effect of missense changes on protein structure and function (SIFT, PolyPhen-2, Align-GVGD) all suggest that this variant is likely to be tolerated. In summary, the available evidence is currently insufficient to determine the role of this variant in disease. Therefore, it has been classified as a Variant of Uncertain Significance. This variant has not been reported in the literature in individuals affected with MTHFD1-related conditions. This sequence change replaces isoleucine, which is neutral and non-polar, with valine, which is neutral and non-polar, at codon 649 of the MTHFD1 protein (p.Ile649Val). This variant is not present in population databases (gnomAD no frequency).

NM_005956.4(MTHFD1):c.1945A>G (p.Ile649Val)

Gene: MTHFD1 (methylenetetrahydrofolate dehydrogenase, cyclohydrolase and formyltetrahydrofolate synthetase 1; plus strand). Cytogenetic location: 14q23.3.
Variant type: single nucleotide variant.
Coding change: c.1945A>G on transcript NM_005956.4 (MANE Select); coding-DNA position 1945, A replaced by G.
Protein change: p.Ile649Val; replaces isoleucine 649 with valine.
Molecular consequence: missense variant.
Genome position (GRCh38, 1-based): chr14:64,442,114, A>G. VCF-style: chr14-64442114-A-G. GRCh37 (hg19) VCF-style: chr14-64908832-A-G.
Other names: c.1945A>G, p.Ile649Val (NM_001364837.1); short protein forms I649V.
Identifiers: ClinVar variation 1948417 (VCV001948417.5), dbSNP rs2550504910, ClinGen allele CA389998573.